The following is an entry in ClinVar:

NM_000059.4(BRCA2):c.10121C>T (p.Thr3374Ile)

Gene: BRCA2 (BRCA2 DNA repair associated; plus strand). Cytogenetic location: 13q13.1.
Variant type: single nucleotide variant.
Coding change: c.10121C>T on transcript NM_000059.4 (MANE Select); coding-DNA position 10121, C replaced by T.
Protein change: p.Thr3374Ile; replaces threonine 3374 with isoleucine.
Molecular consequence: missense variant.
Genome position (GRCh38, 1-based): chr13:32,398,634, C>T. VCF-style: chr13-32398634-C-T. GRCh37 (hg19) VCF-style: chr13-32972771-C-T.
Other names: p.T3374I:ACC>ATC; short protein forms T3374I.
Identifiers: ClinVar variation 51047 (VCV000051047.65), dbSNP rs56309455, ClinGen allele CA010325.

ClinVar aggregate classification (germline): Benign. Review status: reviewed by expert panel (3 of 4 stars). 19 submissions from 19 submitters: Benign (1). 18 of the submissions do not count toward it. Last evaluated 2019-06-18.

Conditions:
Breast and/or ovarian cancer. Identifiers: MedGen CN221562.
BRCA2-related disorder. Also called: BRCA2-related condition; BRCA2-related disorders. Identifiers: MedGen CN239275.
Hereditary cancer-predisposing syndrome. Also called: Neoplastic Syndromes, Hereditary; Hereditary neoplastic syndrome; Hereditary Cancer Syndrome; Tumor predisposition. Identifiers: Orphanet 140162, MedGen C0027672, MeSH D009386, MONDO:0015356.
Hereditary breast ovarian cancer syndrome. Also called: Breast and ovarian cancer; BRCA1- and BRCA2-Associated Hereditary Breast and Ovarian Cancer; Hereditary breast and ovarian cancer syndrome (HBOC); Hereditary breast and/or ovarian cancer syndrome; Hereditary breast and ovarian cancer; Hereditary breast and ovarian cancer syndrome. Identifiers: Orphanet 145, MedGen C0677776, MeSH D061325, MONDO:0003582. Disease mechanism: loss of function.
Breast-ovarian cancer, familial, susceptibility to, 2 (BROVCA2). Also called: BRCA2 Hereditary Breast and Ovarian Cancer. Identifiers: Orphanet 145, MedGen C2675520, MONDO:0012933, OMIM 612555. Disease mechanism: loss of function.

Allele frequency attached by ClinVar (database versions not stated): ESP Exome Variant Server 0.00123; ExAC 0.00036; gnomAD 0.00058 and 0.00059; 1000 Genomes Project 0.00100; 1000 Genomes Project 30x 0.00109; gnomAD exomes 0.00007 and 0.00026; TOPMed 0.00081.
gnomAD v4.1: 201 of 1,614,182 alleles (0.012%); highest among the groups gnomAD compares: African/African-American, 0.23%; 1 homozygote.

Submissions (19):

Evidence-based Network for the Interpretation of Germline Mutant Alleles (ENIGMA)
Classification: Benign for Breast-ovarian cancer, familial, susceptibility to, 2. Last evaluated: 2019-06-18. Review status: reviewed by expert panel. Criteria: ENIGMA BRCA1/2 Classification Criteria (2017-06-29). Collection method: curation. Allele origin: germline.
Comment: Variant allele has low bioinformatic likelihood to encode a missense alteration affecting protein function (Missense prior probability 0.02), AND low bioinformatic likelihood to alter mRNA splicing (splicing prior 0.02), AND minor allele frequency 0.00237 (African), derived from gnomAD v2.1.1 non-cancer (2019-05-13).

Labcorp Genetics (formerly Invitae), Labcorp
Classification: Benign for Hereditary breast ovarian cancer syndrome. Last evaluated: 2026-02-03. Review status: criteria provided, single submitter. Criteria: Invitae Variant Classification Sherloc (09022015). Collection method: clinical testing. Allele origin: germline. Not counted in ClinVar's aggregate classification.

Dasa
Classification: Likely benign for Breast-ovarian cancer, familial, susceptibility to, 2. Last evaluated: 2025-11-05. Review status: criteria provided, single submitter. Criteria: DASA Assertion Criteria. Collection method: clinical testing. Allele origin: germline. Not counted in ClinVar's aggregate classification.
Comment: NM_000059.4(BRCA2):c.10121C>T (p.Thr3374Ile) is a missense variant that results in the substitution of threonine with isoleucine. Population frequency is inconsistent with a disease-causing role for this variant. Computational prediction algorithms are consistent with a benign effect. Therefore, based on the currently available evidence, this variant is classified as likely benign.

ARUP Laboratories, Molecular Genetics and Genomics, ARUP Laboratories
Classification: Benign. Last evaluated: 2024-09-24. Review status: criteria provided, single submitter. Criteria: ARUP Molecular Germline Variant Investigation Process 2024. Collection method: clinical testing. Allele origin: germline. Not counted in ClinVar's aggregate classification.

All of Us Research Program, National Institutes of Health
Classification: Likely benign for Breast-ovarian cancer, familial, susceptibility to, 2. Last evaluated: 2024-01-11. Review status: criteria provided, single submitter. Criteria: ACMG Guidelines, 2015. Collection method: clinical testing. Allele origin: germline. Inheritance: Autosomal dominant inheritance. Observed: 59 variant alleles, 59 heterozygotes. Not counted in ClinVar's aggregate classification.
Comment: This study involves interpretation of variants in research participants for the purpose of population health screening. Participant phenotype was not available at the time of variant classification. Additional details can be found in publication PMID: 35346344, PMCID: PMC8962531

CHEO Genetics Diagnostic Laboratory, Children's Hospital of Eastern Ontario
Classification: Likely benign for Breast and/or ovarian cancer. Last evaluated: 2022-12-08. Review status: criteria provided, single submitter. Criteria: ACMG Guidelines, 2015. Collection method: clinical testing. Allele origin: germline. Not counted in ClinVar's aggregate classification.

Genetics Program, Instituto Nacional de Cancer
Classification: Likely benign for Hereditary breast ovarian cancer syndrome. Last evaluated: 2021-11-01. Review status: criteria provided, single submitter. Criteria: ACMG Guidelines, 2015. Collection method: research. Allele origin: germline. Affected: yes. Not counted in ClinVar's aggregate classification.

Genetic Services Laboratory, University of Chicago
Classification: Likely benign. Last evaluated: 2021-06-18. Review status: criteria provided, single submitter. Criteria: ACMG Guidelines, 2015. Collection method: clinical testing. Allele origin: germline. Affected: no. Not counted in ClinVar's aggregate classification.

GeneDx
Classification: Likely benign. Last evaluated: 2021-04-01. Review status: criteria provided, single submitter. Criteria: GeneDx Variant Classification Process June 2021. Collection method: clinical testing. Allele origin: germline. Affected: yes. Not counted in ClinVar's aggregate classification.
Comment: This variant is associated with the following publications: (PMID: 24728327, 23415752, 12442275, 18284688, 25348012, 15001988, 15889636, 27621404, 27527004, 28526081, 30254663, 31131967)

Sema4
Classification: Benign for Hereditary cancer-predisposing syndrome. Last evaluated: 2020-02-24. Review status: criteria provided, single submitter. Criteria: Sema4 Curation Guidelines. Collection method: curation. Allele origin: germline. Not counted in ClinVar's aggregate classification.

Eurofins Ntd Llc (ga)
Classification: Likely benign. Last evaluated: 2015-09-08. Review status: criteria provided, single submitter. Criteria: EGL Classification Definitions 2015. Collection method: clinical testing. Allele origin: germline. Observed: 1 variant allele, 1 heterozygote. Not counted in ClinVar's aggregate classification.

Color Diagnostics, LLC DBA Color Health
Classification: Likely benign for Hereditary cancer-predisposing syndrome. Last evaluated: 2015-03-11. Review status: criteria provided, single submitter. Criteria: ACMG Guidelines, 2015. Collection method: clinical testing. Allele origin: germline. Not counted in ClinVar's aggregate classification.

Ambry Genetics
Classification: Benign for Hereditary cancer-predisposing syndrome. Last evaluated: 2014-11-19. Review status: criteria provided, single submitter. Criteria: Ambry Variant Classification Scheme 2023. Collection method: clinical testing. Allele origin: germline. Not counted in ClinVar's aggregate classification.

PreventionGenetics, part of Exact Sciences
Classification: Likely benign for BRCA2-related condition. Last evaluated: 2020-03-09. Review status: no assertion criteria provided. Collection method: clinical testing. Allele origin: germline. Not counted in ClinVar's aggregate classification.
Comment: This variant is classified as likely benign based on ACMG/AMP sequence variant interpretation guidelines (Richards et al. 2015 PMID: 25741868, with internal and published modifications).

Pathway Genomics
Classification: Benign for Breast-ovarian cancer, familial 2. Last evaluated: 2014-07-24. Review status: no assertion criteria provided. Collection method: clinical testing. Allele origin: germline. Not counted in ClinVar's aggregate classification.

ITMI
No classification provided. Condition: AllHighlyPenetrant. Last evaluated: 2013-09-19. Review status: no classification provided. Collection method: reference population. Allele origin: germline. Not counted in ClinVar's aggregate classification.
Comment: Please see associated publication for description of ethnicities

Sharing Clinical Reports Project (SCRP)
Classification: Likely benign for Breast-ovarian cancer, familial 2. Last evaluated: 2007-12-03. Review status: no assertion criteria provided. Collection method: clinical testing. Allele origin: germline. Not counted in ClinVar's aggregate classification.

Breast Cancer Information Core (BIC) (BRCA2)
Classification: Uncertain significance for Breast-ovarian cancer, familial 2. Last evaluated: 2002-05-29. Review status: no assertion criteria provided. Collection method: clinical testing. Allele origin: germline. Affected: yes. Observed: 8 variant alleles. Not counted in ClinVar's aggregate classification.

Department of Pathology and Laboratory Medicine, Sinai Health System
Classification: Likely benign for Breast-ovarian cancer, familial, susceptibility to, 2. Review status: no assertion criteria provided. Collection method: clinical testing. Allele origin: unknown. Affected: yes. Study: The Canadian Open Genetics Repository (COGR). Not counted in ClinVar's aggregate classification.
Comment: The BRCA2 p.Thr3374Ile variant was identified in 3 of 2236 proband chromosomes (frequency: 0.001) from individuals or families with hereditary breast and ovarian cancer and was present in 12 of 1498 control chromosomes (frequency: 0.08) from healthy individuals (Ruiz-Flores 2002, Calderon-Garciduneas 2005, Bodian 2014, Zuntini 2018). The variant was identified in dbSNP (rs56309455) as â€šÃ„Ãºwith other allele, ClinVar (classified as likely benign by GeneDx, Color, SCRP and 2 other submitters, benign by Invitae, Ambry Genetics and Pathway Genomics and uncertain significance by BIC), LOVD 3.0 (observed 3x) and UMD-LSDB (observed 7x). The variant was identified in control databases in 79 of 282,668 chromosomes (1 homozygous) at a frequency of 0.0003 increasing the likelihood this could be a low frequency benign variant (Genome Aggregation Database Feb 27, 2017). The variant was observed in the following populations: African in 59 of 24,960 chromosomes (freq: 0.002), Other in 4 of 7214 chromosomes (freq: 0.0006), Latino in 15 of 35,410 chromosomes (freq: 0.0004), European in 1 of 129,038 chromosomes (freq: 0.000008), while the variant was not observed in the Ashkenazi Jewish, East Asian, Finnish and South Asian populations. The variant was identified in our laboratory and UMD-LSDB in individuals with co-occurring pathogenic BRIP1 (c.1195G>T, p.Glu399*) and BRCA1 (c.3008_3009delTT p.Phe1003*) variants. The p.Thr3374 residue is not conserved in mammals and computational analyses (PolyPhen-2, SIFT, AlignGVGD, BLOSUM, MutationTaster) do not suggest a high likelihood of impact to the protein; however, this information is not predictive enough to rule out pathogenicity. The variant occurs outside of the splicing consensus sequence and in silico or computational prediction software programs (SpliceSiteFinder, MaxEntScan, NNSPLICE, GeneSplicer) do not predict a difference in splicing. In summary, based on the above information the clinical significance of this variant cannot be determined with certainty at this time although we would lean towards a more benign role for this variant. This variant is classified as likely benign.

Literature cited by the submitters: PubMed 36329109 (cited by Genetics Program, Instituto Nacional de Cancer); PubMed 12442275 (cited by Ambry Genetics and Pathway Genomics); PubMed 24728327 (cited by Pathway Genomics and ITMI).